The following is an entry in ClinVar:

NM_003190.5(TAPBP):c.174G>T (p.Pro58=)

Gene: TAPBP (TAP binding protein; minus strand). Cytogenetic location: 6p21.32.
Variant type: single nucleotide variant.
Coding change: c.174G>T on transcript NM_003190.5 (MANE Select); coding-DNA position 174, G replaced by T.
Protein change: p.Pro58=; no amino-acid change (proline 58 retained).
Molecular consequence: synonymous variant.
Genome position (GRCh38, 1-based): chr6:33,313,728, C>A on the plus strand (G>T on the coding strand, the complement: TAPBP is on the minus strand). VCF-style: chr6-33313728-C-A. GRCh37 (hg19) VCF-style: chr6-33281505-C-A.
Other names: c.174G>T, p.Pro58= (NM_172208.3, NM_172209.3).
Identifiers: ClinVar variation 715763 (VCV000715763.41), dbSNP rs45501592, ClinGen allele CA3755951.
Genomic context (GRCh38, chr6:33,313,728, plus strand): 5'-GGGGCGGCGAGTCCCTAGAGACTCACCGTGTACACTGAGATAGAGCTCAGGGTCGAGGTC[C>A]GGCCGGGGCGGCGGTTCCCCCGGTCCCTGGCGCAACAGCAGTGCACCGGGTCTCTTGGCC-3'
Protein context (NP_003181.3, residues 48-68): RQGPGEPPPR[Pro58=]DLDPELYLSV

ClinVar aggregate classification (germline): Benign/Likely benign. Review status: criteria provided, multiple submitters, no conflicts (2 of 4 stars). 6 submissions from 6 submitters: Benign (2); Likely benign (3). 1 of the submissions does not count toward it. Last evaluated 2026-04-06.

Conditions:
TAPBP-related disorder. Also called: TAPBP-related condition.
MHC class I deficiency. Identifiers: Orphanet 34592, MedGen C6024714, MONDO:0011476.

Allele frequency attached by ClinVar (database versions not stated): 1000 Genomes Project 30x 0.00312; 1000 Genomes Project 0.00339; gnomAD 0.00377; TOPMed 0.00450; gnomAD exomes 0.00502; ExAC 0.00514; ESP Exome Variant Server 0.00547.
gnomAD v4.1: 9,556 of 1,613,364 alleles (0.59%); highest among the groups gnomAD compares: Middle Eastern, 0.84%; 33 homozygotes.

Submissions (6):

Women's Health and Genetics/Laboratory Corporation of America, LabCorp
Classification: Benign. Last evaluated: 2026-04-06. Review status: criteria provided, single submitter. Criteria: LabCorp Variant Classification Summary - May 2015. Collection method: clinical testing. Allele origin: germline.

CeGaT Center for Human Genetics Tuebingen
Classification: Likely benign. Last evaluated: 2025-05-01. Review status: criteria provided, single submitter. Criteria: CeGaT Center For Human Genetics Tuebingen Variant Classification Criteria Version 2. Collection method: clinical testing. Allele origin: germline. Affected: yes. Observed: 14 variant alleles.
Comment: TAPBP: BP4, BP7, BS2

Blueprint Genetics
Classification: Likely benign. Last evaluated: 2024-11-26. Review status: criteria provided, single submitter. Criteria: ACMG Guidelines, 2015. Collection method: clinical testing. Allele origin: germline.

Labcorp Genetics (formerly Invitae), Labcorp
Classification: Benign for Bare lymphocyte syndrome type 1. Last evaluated: 2019-12-31. Review status: criteria provided, single submitter. Criteria: Invitae Variant Classification Sherloc (09022015). Collection method: clinical testing. Allele origin: germline.

Breakthrough Genomics
Classification: Likely benign. Review status: criteria provided, single submitter. Criteria: ACMG Guidelines, 2015. Collection method: not provided. Allele origin: germline. Inheritance: Autosomal recessive inheritance. Affected: yes.

PreventionGenetics, part of Exact Sciences
Classification: Benign for TAPBP-related condition. Last evaluated: 2019-07-26. Review status: no assertion criteria provided. Collection method: clinical testing. Allele origin: germline. Not counted in ClinVar's aggregate classification.
Comment: This variant is classified as benign based on ACMG/AMP sequence variant interpretation guidelines (Richards et al. 2015 PMID: 25741868, with internal and published modifications).